The following is an entry in ClinVar:

NM_014339.7(IL17RA):c.978G>A (p.Thr326=)

Genes: IL17RA (interleukin 17 receptor A; plus strand), LOC129391259 (MPRA-validated peak4440 silencer; plus strand). Cytogenetic location: 22q11.1.
Variant type: single nucleotide variant.
Coding change: c.978G>A on transcript NM_014339.7 (MANE Select); coding-DNA position 978, G replaced by A.
Protein change: p.Thr326=; no amino-acid change (threonine 326 retained).
Molecular consequence: synonymous variant. On other transcripts: intron variant (1).
Genome position (GRCh38, 1-based): chr22:17,105,887, G>A. VCF-style: chr22-17105887-G-A. GRCh37 (hg19) VCF-style: chr22-17586777-G-A.
Other names: c.943+285G>A (NM_001289905.2).
Identifiers: ClinVar variation 720214 (VCV000720214.19), dbSNP rs143239201, ClinGen allele CA10086609.

ClinVar aggregate classification (germline): Conflicting classifications of pathogenicity. Review status: criteria provided, conflicting classifications (1 of 4 stars). 4 submissions from 4 submitters: Uncertain significance (1); Likely benign (2). 1 of the submissions does not count toward it. Last evaluated 2026-01-21.

Conditions:
Immunodeficiency 51 (IMD51). Also called: CANDIDIASIS, FAMILIAL, 5. Identifiers: Orphanet 1334, MedGen C4310803, MONDO:0013500, OMIM 613953.
IL17RA-related disorder. Also called: IL17RA-related condition.

Allele frequency attached by ClinVar (database versions not stated): 1000 Genomes Project 0.00040; TOPMed 0.00045; 1000 Genomes Project 30x 0.00047; gnomAD 0.00057 and 0.00060; ESP Exome Variant Server 0.00062.
gnomAD v4.1: 1,123 of 1,614,118 alleles (0.07%); highest among the groups gnomAD compares: Non-Finnish European, 0.088%; no homozygotes.

Submissions (5):

Labcorp Genetics (formerly Invitae), Labcorp
Classification: Likely benign for Immunodeficiency 51. Last evaluated: 2026-01-21. Review status: criteria provided, single submitter. Criteria: Invitae Variant Classification Sherloc (09022015). Collection method: clinical testing. Allele origin: germline.

Blueprint Genetics
Classification: Likely benign. Last evaluated: 2024-10-24. Review status: criteria provided, single submitter. Criteria: ACMG Guidelines, 2015. Collection method: clinical testing. Allele origin: germline.

Illumina Laboratory Services, Illumina
Classification: Uncertain significance for Immunodeficiency 51. Last evaluated: 2018-01-12. Review status: criteria provided, single submitter. Criteria: ICSL Variant Classification Criteria 13 December 2019. Collection method: clinical testing. Allele origin: germline.

PreventionGenetics, part of Exact Sciences
Classification: Likely benign for IL17RA-related condition. Last evaluated: 2023-06-30. Review status: no assertion criteria provided. Collection method: clinical testing. Allele origin: germline. Not counted in ClinVar's aggregate classification.
Comment: This variant is classified as likely benign based on ACMG/AMP sequence variant interpretation guidelines (Richards et al. 2015 PMID: 25741868, with internal and published modifications).

Dr. Peter K. Rogan Lab, Western University
No classification provided (evidence only). Condition: Familial cancer of breast. Review status: no classification provided. Collection method: in vitro. Allele origin: not applicable. Functional consequence: retained intron. Not counted in ClinVar's aggregate classification.